The following is an entry in ClinVar:

NM_000875.5(IGF1R):c.*6977_*6979del

Gene: IGF1R (insulin like growth factor 1 receptor; plus strand). Cytogenetic location: 15q26.3.
Variant type: Deletion.
Coding change: c.*6977_*6979del on transcript NM_000875.5 (MANE Select); 6977 bases downstream of the stop codon through 6979 bases downstream of the stop codon, 3 bases deleted (GAA; older notation c.*6977_*6979delGAA).
Molecular consequence: 3 prime UTR variant.
Genome position (GRCh38, 1-based): chr15:98,964,419-98,964,421, GAA deleted; deleting any 3 consecutive bases within chr15:98,964,417-98,964,421 gives the same sequence; the c. name uses the placement nearest the transcript's 3' end. VCF-style (leftmost placement, unchanged base first): chr15-98964416-AAAG-A. GRCh37 (hg19) VCF-style: chr15-99507645-AAAG-A.
Other names: c.*6977_*6979del (NM_001291858.2).
Identifiers: ClinVar variation 317662 (VCV000317662.29), dbSNP rs371839214, ClinGen allele CA10646811.
Genomic context (GRCh38, chr15:98,964,416, plus strand): 5'-CTGTTGTAAGAATTTATTCCTGTTATTGCGATATACTCTGGATTCTTTACATAATGGAAA[AAAG>A]AAACTGTCTATTTTGAATGGCTGAAGCTAAGGCAACGTTAGTTTCTCTTACTCTGCTTTT-3'

ClinVar aggregate classification (germline): Likely benign (1 of 4 stars; one submission).

Submission:

CeGaT Center for Human Genetics Tuebingen
Classification: Likely benign. Last evaluated: 2023-05-01. Review status: criteria provided, single submitter. Criteria: CeGaT Center For Human Genetics Tuebingen Variant Classification Criteria Version 2. Collection method: clinical testing. Allele origin: germline. Affected: yes. Observed: 2 variant alleles.
Comment: IGF1R: BS1